The following is an entry in ClinVar:

ClinVar aggregate classification (germline): Uncertain significance (1 of 4 stars; one submission).

Allele frequency attached by ClinVar (database versions not stated): gnomAD 0.00001; TOPMed 0.00001; gnomAD exomes 0.00002.

Submission:

Labcorp Genetics (formerly Invitae), Labcorp
Classification: Uncertain significance. Last evaluated: 2024-02-17. Review status: criteria provided, single submitter. Criteria: Invitae Variant Classification Sherloc (09022015). Collection method: clinical testing. Allele origin: germline.
Comment: This sequence change replaces arginine, which is basic and polar, with glutamine, which is neutral and polar, at codon 332 of the FOXI3 protein (p.Arg332Gln). This variant is present in population databases (no rsID available, gnomAD 0.004%). This variant has not been reported in the literature in individuals affected with FOXI3-related conditions. Experimental studies and prediction algorithms are not available or were not evaluated, and the functional significance of this variant is currently unknown. In summary, the available evidence is currently insufficient to determine the role of this variant in disease. Therefore, it has been classified as a Variant of Uncertain Significance.

NM_001135649.3(FOXI3):c.995G>A (p.Arg332Gln)

Gene: FOXI3 (forkhead box I3; minus strand). Cytogenetic location: 2p11.2.
Variant type: single nucleotide variant.
Coding change: c.995G>A on transcript NM_001135649.3 (MANE Select); coding-DNA position 995, G replaced by A.
Protein change: p.Arg332Gln; replaces arginine 332 with glutamine.
Molecular consequence: missense variant.
Genome position (GRCh38, 1-based): chr2:88,448,475, C>T on the plus strand (G>A on the coding strand, the complement: FOXI3 is on the minus strand). VCF-style: chr2-88448475-C-T. GRCh37 (hg19) VCF-style: chr2-88747994-C-T.
Other names: short protein forms R332Q.
Identifiers: ClinVar variation 2963766 (VCV002963766.3), dbSNP rs1364861649, ClinGen allele CA347764832.